The following is an entry in ClinVar:

ClinVar aggregate classification (germline): Uncertain significance (1 of 4 stars; one submission).

Conditions:
Hereditary cancer-predisposing syndrome. Also called: Hereditary neoplastic syndrome; Neoplastic Syndromes, Hereditary; Tumor predisposition; Hereditary Cancer Syndrome. Identifiers: Orphanet 140162, MedGen C0027672, MeSH D009386, MONDO:0015356.

gnomAD v4.1: 1 of 1,605,470 alleles (0.000062%); highest among the groups gnomAD compares: South Asian, 0.0011%; no homozygotes.

Submission:

Ambry Genetics
Classification: Uncertain significance for Hereditary cancer-predisposing syndrome. Last evaluated: 2025-07-24. Review status: criteria provided, single submitter. Criteria: Ambry Variant Classification Scheme 2023. Collection method: clinical testing. Allele origin: germline.
Comment: The p.V761D variant (also known as c.2282T>A), located in coding exon 14 of the PMS2 gene, results from a T to A substitution at nucleotide position 2282. The valine at codon 761 is replaced by aspartic acid, an amino acid with highly dissimilar properties. This amino acid position is conserved. In addition, the in silico prediction for this alteration is inconclusive. Based on the available evidence, the clinical significance of this variant remains unclear.

NM_000535.7(PMS2):c.2282T>A (p.Val761Asp)

Gene: PMS2 (PMS1 homolog 2, mismatch repair system component; minus strand). Cytogenetic location: 7p22.1.
Variant type: single nucleotide variant.
Coding change: c.2282T>A on transcript NM_000535.7 (MANE Select); coding-DNA position 2282, T replaced by A.
Protein change: p.Val761Asp; replaces valine 761 with aspartic acid.
Molecular consequence: missense variant. On other transcripts: intron variant (2).
Genome position (GRCh38, 1-based): chr7:5,977,751, A>T on the plus strand (T>A on the coding strand, the complement: PMS2 is on the minus strand). VCF-style: chr7-5977751-A-T. GRCh37 (hg19) VCF-style: chr7-6017382-A-T.
Other names: c.1877T>A, p.Val626Asp (NM_001322003.2, NM_001322004.2, NM_001322005.2 and 11 more transcripts); c.2126T>A, p.Val709Asp (NM_001322006.2); c.1964T>A, p.Val655Asp (NM_001322007.2, NM_001322008.2, NM_001406883.1); c.1910T>A, p.Val637Asp (NM_001322009.2, NM_001406887.1, NM_001406888.1); c.1721T>A, p.Val574Asp (NM_001322010.2, NM_001406906.1, NM_001406907.1); c.1349T>A, p.Val450Asp (NM_001322011.2, NM_001322012.2); c.1709T>A, p.Val570Asp (NM_001322013.2, NM_001406908.1, NM_001406909.1); c.2315T>A, p.Val772Asp (NM_001322014.2); and 20 more; short protein forms V360D, V574D, V603D, V637D, V653D, V669D, V695D, V725D.
Identifiers: ClinVar variation 4140504 (VCV004140504.1).